The following is an entry in ClinVar:

NC_000001.10:g.(?_215972229)_(216270575_?)del

Gene: USH2A (usherin; minus strand). Cytogenetic location: 1q41.
Variant type: Deletion.
Identifiers: ClinVar variation 1460279 (VCV001460279.7).

ClinVar aggregate classification (germline): Pathogenic (1 of 4 stars; one submission).

Submission:

Labcorp Genetics (formerly Invitae), Labcorp
Classification: Pathogenic. Last evaluated: 2022-04-17. Review status: criteria provided, single submitter. Criteria: Invitae Variant Classification Sherloc (09022015). Collection method: clinical testing. Allele origin: germline.
Comment: This variant is a gross deletion of the genomic region encompassing exon(s) 22-50 of the USH2A gene. This variant would be expected to be in-frame, preserving the integrity of the reading frame. This variant has not been reported in the literature in individuals affected with USH2A-related conditions. The region of the USH2A gene that includes exon(s) 45-49 has been determined to be clinically significant (PMID: 30190494, 30459346; Invitae). Therefore, deletions that encompass that region are likely to be disease-causing. For these reasons, this variant has been classified as Pathogenic.

Literature cited by the submitters: PubMed 30190494; PubMed 30459346.